The following is an entry in ClinVar:

NM_000128.4(F11):c.1536del (p.Asp513fs)

Genes: F11 (coagulation factor XI; plus strand), F11-AS1 (F11 antisense RNA 1; minus strand). Cytogenetic location: 4q35.2.
Variant type: Deletion.
Coding change: c.1536del on transcript NM_000128.4 (MANE Select); coding-DNA position 1536, one base deleted (T; older notation c.1536delT).
Protein change: p.Asp513fs; shifts the reading frame from aspartic acid 513.
Molecular consequence: frameshift variant. On other transcripts: intron variant (4).
Genome position (GRCh38, 1-based): chr4:186,286,470, T deleted. VCF-style (leftmost placement, unchanged base first): chr4-186286469-CT-C. GRCh37 (hg19) VCF-style: chr4-187207623-CT-C.
Other names: c.1488del, p.Asp497fs (NM_001440590.1); c.1266del, p.Asp423fs (NM_001440605.1); c.1218del, p.Asp407fs (NM_001440606.1); c.1480+657del (NM_001440593.1); c.1432+657del (NM_001440596.1); c.1210+657del (NM_001440607.1); c.1162+657del (NM_001440608.1); short protein forms D407fs, D423fs, D497fs, D513fs.
Identifiers: ClinVar variation 5010528 (VCV005010528.1).
Genomic context (GRCh38, chr4:186,286,469, plus strand): 5'-ATTTAGATTCTCAACGACCCATATGCCTGCCTTCCAAAGGAGATAGAAATGTAATATACA[CT>C]GATTGCTGGGTGACTGGATGGGGGTACAGAAAACTAAGAGGTAAAAATGATGTTGTTATA-3'

ClinVar aggregate classification (germline): Pathogenic (1 of 4 stars; one submission).

Conditions:
Hereditary factor XI deficiency disease. Also called: PLASMA THROMBOPLASTIN ANTECEDENT DEFICIENCY; PTA DEFICIENCY; ROSENTHAL SYNDROME; Congenital factor XI deficiency. Identifiers: Orphanet 329, MedGen C0015523, MeSH D005173, MONDO:0012897, OMIM 612416.

Submission:

Myriad Genetics, Inc.
Classification: Pathogenic for Hereditary factor XI deficiency disease. Last evaluated: 2024-05-14. Review status: criteria provided, single submitter. Criteria: Myriad Autosomal Dominant, Autosomal Recessive and X-Linked Classification Criteria (2023). Collection method: clinical testing. Allele origin: unknown.
Comment: NM_000128.3(F11):c.1536delT(D513Ifs*4) is expected to be pathogenic in the context of factor XI deficiency. This variant is predicted to lead to an abnormal or absent protein product due to the creation of a premature termination codon in F11, a gene where loss-of-function variants are known to be pathogenic. Please note: this variant was assessed in the context of healthy population screening.